The following is an entry in ClinVar:

ClinVar aggregate classification (germline): Likely benign (1 of 4 stars; one submission).

Submission:

GeneDx
Classification: Likely benign. Last evaluated: 2020-11-06. Review status: criteria provided, single submitter. Criteria: GeneDx Variant Classification Process June 2021. Collection method: clinical testing. Allele origin: germline. Affected: yes.
Comment: See Variant Classification Assertion Criteria.

NM_004100.5(EYA4):c.1616+158GA[12]

Genes: EYA4 (EYA transcriptional coactivator and phosphatase 4; plus strand), TARID (TCF21 antisense RNA inducing promoter demethylation; minus strand). Cytogenetic location: 6q23.2.
Variant type: Microsatellite.
Coding change: c.1616+158GA[12] on transcript NM_004100.5 (MANE Select); 12 copies in a row of the 2-base unit GA starting at c.1616+158.
Molecular consequence: intron variant.
Genome position: GRCh38 VCF-style: chr6-133515592-T-TGAGAGA. GRCh37 (hg19) VCF-style: chr6-133836730-T-TGAGAGA.
Other names: c.1634+158GA[12] (NM_001301013.2); c.1616+158GA[12] (NM_172105.4); c.1547+158GA[12] (NM_001370458.1, NM_172103.4); c.1472+158GA[12] (NM_001370459.1); c.1454+158GA[12] (NM_001301012.2).
Identifiers: ClinVar variation 3381395 (VCV003381395.1).